The following is an entry in ClinVar:

NM_000179.3(MSH6):c.258C>G (p.Thr86=)

Genes: MSH6 (mutS homolog 6; plus strand), LOC129933707 (ATAC-STARR-seq lymphoblastoid silent region 11468; plus strand). Cytogenetic location: 2p16.3.
Variant type: single nucleotide variant.
Coding change: c.258C>G on transcript NM_000179.3 (MANE Select); coding-DNA position 258, C replaced by G.
Protein change: p.Thr86=; no amino-acid change (threonine 86 retained).
Molecular consequence: synonymous variant. On other transcripts: 5 prime UTR variant (1), intron variant (1).
Genome position (GRCh38, 1-based): chr2:47,783,491, C>G. VCF-style: chr2-47783491-C-G. GRCh37 (hg19) VCF-style: chr2-48010630-C-G.
Other names: c.-479C>G (NM_001281493.2); c.237+21C>G (NM_001281492.2).
Identifiers: ClinVar variation 485864 (VCV000485864.6), dbSNP rs1553408461, ClinGen allele CA426120885.
Genomic context (GRCh38, chr2:47,783,491, plus strand): 5'-GCCCAAGGCGAAGAACCTCAACGGAGGGCTGCGGAGATCGGTAGCGCCTGCTGCCCCCAC[C>G]AGGTAGCGGGGTGGGGGTGGGGTCGAAGGCGGGGGCATAGCGGCGGGGCGCTTGGAACCC-3'
Protein context (NP_000170.1, residues 76-96): LRRSVAPAAP[Thr86=]SCDFSPGDLV

ClinVar aggregate classification (germline): Likely benign. Review status: criteria provided, multiple submitters, no conflicts (2 of 4 stars). 2 submissions from 2 submitters: Likely benign (2). Last evaluated 2024-12-17.

Conditions:
Hereditary cancer-predisposing syndrome. Also called: Tumor predisposition; Hereditary Cancer Syndrome; Hereditary neoplastic syndrome; Neoplastic Syndromes, Hereditary. Identifiers: Orphanet 140162, MedGen C0027672, MeSH D009386, MONDO:0015356.
Lynch syndrome 5 (LYNCH5). Also called: Hereditary non-polyposis colorectal cancer, type 5; Colorectal cancer, hereditary nonpolyposis, type 5. Identifiers: Orphanet 144, MedGen C1833477, MONDO:0013710, OMIM 614350. Disease mechanism: loss of function.

Submissions (2):

Myriad Genetics, Inc.
Classification: Likely benign for Lynch syndrome 5. Last evaluated: 2024-12-17. Review status: criteria provided, single submitter. Criteria: Myriad Autosomal Dominant, Autosomal Recessive and X-Linked Classification Criteria (2023). Collection method: clinical testing. Allele origin: unknown.
Comment: This variant is considered likely benign. This variant is a silent/synonymous amino acid change and it is not expected to impact splicing.

Ambry Genetics
Classification: Likely benign for Hereditary cancer-predisposing syndrome. Last evaluated: 2016-02-23. Review status: criteria provided, single submitter. Criteria: Ambry Variant Classification Scheme 2023. Collection method: clinical testing. Allele origin: germline.